The following is an entry in ClinVar:

NM_017950.4(CCDC40):c.961C>T (p.Arg321Ter)

Gene: CCDC40 (coiled-coil domain 40 molecular ruler complex subunit; plus strand). Cytogenetic location: 17q25.3.
Variant type: single nucleotide variant.
Coding change: c.961C>T on transcript NM_017950.4 (MANE Select); coding-DNA position 961, C replaced by T.
Protein change: p.Arg321Ter; replaces arginine 321 with a stop codon.
Molecular consequence: nonsense.
Genome position (GRCh38, 1-based): chr17:80,050,085, C>T. VCF-style: chr17-80050085-C-T. GRCh37 (hg19) VCF-style: chr17-78023884-C-T.
Other names: c.961C>T, p.Arg321Ter (NM_001243342.2, NM_001330508.2); short protein forms R321*.
Identifiers: ClinVar variation 216118 (VCV000216118.18), dbSNP rs754867753, ClinGen allele CA338083.

ClinVar aggregate classification (germline): Pathogenic. Review status: criteria provided, multiple submitters, no conflicts (2 of 4 stars). 6 submissions from 6 submitters: Pathogenic (5). 1 of the submissions does not count toward it. Last evaluated 2025-06-18.

Conditions:
CCDC40-related disorder. Also called: CCDC40-related condition.
Primary ciliary dyskinesia. Also called: Ciliary dyskinesia. Identifiers: Orphanet 244, MedGen C0008780, MONDO:0016575, HP:0012265.
Primary ciliary dyskinesia 15. Also called: CILIARY DYSKINESIA, PRIMARY, 15, WITH OR WITHOUT SITUS INVERSUS. Identifiers: Orphanet 244, MedGen C3151137, MONDO:0013435, OMIM 613808.

Allele frequency attached by ClinVar (database versions not stated): ExAC 0.00001; gnomAD 0.00001; gnomAD exomes 0.00001 and 0.00002; TOPMed 0.00002.
gnomAD v4.1: 20 of 1,613,586 alleles (0.0012%); highest among the groups gnomAD compares: Non-Finnish European, 0.0014%; no homozygotes.

Submissions (6):

Dasa
Classification: Pathogenic. Last evaluated: 2025-06-18. Review status: criteria provided, single submitter. Criteria: DASA Assertion Criteria. Collection method: clinical testing. Allele origin: germline.
Comment: NM_017950.4(CCDC40):c.961C>T (p.Arg321*) introduces a premature termination codon predicted to result in loss of normal protein function. Loss-of-function is an established mechanism of disease for this gene. This variant has been observed in affected individuals with related phenotype in a genotype context consistent with recessive disease (PMID: 21131974; PMID: 23255504). Functional evidence supports a deleterious effect on the gene or gene product (PMID: 21131974; PMID: 23255504). This variant has been recurrently observed in individuals with related phenotype (PMID: 21131974; PMID: 23255504). Segregation evidence has been reported in affected families. The variant is present at low frequency in population datasets. Based on the available data, this variant is classified as pathogenic.

Fulgent Genetics
Classification: Pathogenic for Primary ciliary dyskinesia 15. Last evaluated: 2024-04-15. Review status: criteria provided, single submitter. Criteria: ACMG Guidelines, 2015. Collection method: clinical testing. Allele origin: germline.

Labcorp Genetics (formerly Invitae), Labcorp
Classification: Pathogenic for Primary ciliary dyskinesia. Last evaluated: 2024-02-02. Review status: criteria provided, single submitter. Criteria: Invitae Variant Classification Sherloc (09022015). Collection method: clinical testing. Allele origin: germline.
Comment: This sequence change creates a premature translational stop signal (p.Arg321*) in the CCDC40 gene. It is expected to result in an absent or disrupted protein product. Loss-of-function variants in CCDC40 are known to be pathogenic (PMID: 21131974, 22693285, 23255504). This variant is present in population databases (rs754867753, gnomAD 0.01%). This premature translational stop signal has been observed in individual(s) with primary ciliary dyskinesia (PMID: 21131974, 23255504). This variant is also known as c.960C>T. ClinVar contains an entry for this variant (Variation ID: 216118). For these reasons, this variant has been classified as Pathogenic.

Blueprint Genetics
Classification: Pathogenic for CCDC40-related disorders. Last evaluated: 2022-06-29. Review status: criteria provided, single submitter. Criteria: ACMG Guidelines, 2015. Collection method: clinical testing. Allele origin: germline. Affected: yes. Observed: 5 variant alleles.

Cambridge Genomics Laboratory, East Genomic Laboratory Hub, NHS Genomic Medicine Service
Classification: Pathogenic for Primary ciliary dyskinesia. Last evaluated: 2019-09-16. Review status: criteria provided, single submitter. Criteria: ACGS Best Practice Guidelines for Variant Classification in Rare Disease 2020. Collection method: clinical testing. Allele origin: germline. Affected: yes. Observed: 1 variant allele.

Biochemical Molecular Genetic Laboratory, King Abdulaziz Medical City
Classification: Likely pathogenic for Primary ciliary dyskinesia 15. Last evaluated: 2020-10-11. Review status: no assertion criteria provided. Collection method: clinical testing. Allele origin: germline. Affected: yes. Not counted in ClinVar's aggregate classification.

Literature cited by the submitters: PubMed 21131974 (cited by Dasa and Labcorp Genetics (formerly Invitae), Labcorp); PubMed 23255504 (cited by Dasa and Labcorp Genetics (formerly Invitae), Labcorp); PubMed 22693285 (cited by Labcorp Genetics (formerly Invitae), Labcorp).